The following is an entry in ClinVar:

ClinVar aggregate classification (germline): Conflicting classifications of pathogenicity. Review status: criteria provided, conflicting classifications (1 of 4 stars). 3 submissions from 3 submitters: Uncertain significance (2); Likely benign (1). Last evaluated 2025-05-15.

Conditions:
Hereditary cancer-predisposing syndrome. Also called: Hereditary Cancer Syndrome; Neoplastic Syndromes, Hereditary; Tumor predisposition; Hereditary neoplastic syndrome. Identifiers: Orphanet 140162, MedGen C0027672, MeSH D009386, MONDO:0015356.
Hereditary breast ovarian cancer syndrome. Also called: Breast and ovarian cancer; Hereditary breast and/or ovarian cancer syndrome; Hereditary breast and ovarian cancer; Hereditary breast and ovarian cancer syndrome (HBOC); BRCA1- and BRCA2-Associated Hereditary Breast and Ovarian Cancer; Hereditary breast and ovarian cancer syndrome. Identifiers: Orphanet 145, MedGen C0677776, MeSH D061325, MONDO:0003582. Disease mechanism: loss of function.

Submissions (3):

Ambry Genetics
Classification: Likely benign for Hereditary cancer-predisposing syndrome. Last evaluated: 2025-05-15. Review status: criteria provided, single submitter. Criteria: Ambry Variant Classification Scheme 2023. Collection method: clinical testing. Allele origin: germline.

Color Diagnostics, LLC DBA Color Health
Classification: Uncertain significance for Hereditary cancer-predisposing syndrome. Last evaluated: 2024-03-06. Review status: criteria provided, single submitter. Criteria: ACMG Guidelines, 2015. Collection method: clinical testing. Allele origin: germline.
Comment: This missense variant replaces alanine with serine at codon 2897 of the BRCA2 protein. Computational prediction suggests that this variant may not impact protein structure and function (internally defined REVEL score threshold <= 0.5, PMID: 27666373). To our knowledge, functional studies have not been reported for this variant. This variant has not been reported in individuals affected with hereditary cancer in the literature. This variant has not been identified in the general population by the Genome Aggregation Database (gnomAD). The available evidence is insufficient to determine the role of this variant in disease conclusively. Therefore, this variant is classified as a Variant of Uncertain Significance.

Labcorp Genetics (formerly Invitae), Labcorp
Classification: Uncertain significance for Hereditary breast ovarian cancer syndrome. Last evaluated: 2019-07-02. Review status: criteria provided, single submitter. Criteria: Invitae Variant Classification Sherloc (09022015). Collection method: clinical testing. Allele origin: germline.
Comment: This variant is not present in population databases (ExAC no frequency). In summary, the available evidence is currently insufficient to determine the role of this variant in disease. Therefore, it has been classified as a Variant of Uncertain Significance. Algorithms developed to predict the effect of missense changes on protein structure and function are either unavailable or do not agree on the potential impact of this missense change (SIFT: "Tolerated"; PolyPhen-2: "Probably Damaging"; Align-GVGD: "Class C0"). This variant has not been reported in the literature in individuals with BRCA2-related conditions. ClinVar contains an entry for this variant (Variation ID: 489792). This sequence change replaces alanine with serine at codon 2897 of the BRCA2 protein (p.Ala2897Ser). The alanine residue is moderately conserved and there is a moderate physicochemical difference between alanine and serine.

NM_000059.4(BRCA2):c.8689G>T (p.Ala2897Ser)

Gene: BRCA2 (BRCA2 DNA repair associated; plus strand). Cytogenetic location: 13q13.1.
Variant type: single nucleotide variant.
Coding change: c.8689G>T on transcript NM_000059.4 (MANE Select); coding-DNA position 8689, G replaced by T.
Protein change: p.Ala2897Ser; replaces alanine 2897 with serine.
Molecular consequence: missense variant.
Genome position (GRCh38, 1-based): chr13:32,376,726, G>T. VCF-style: chr13-32376726-G-T. GRCh37 (hg19) VCF-style: chr13-32950863-G-T.
Other names: short protein forms A2897S.
Identifiers: ClinVar variation 489792 (VCV000489792.22), dbSNP rs1555288156, ClinGen allele CA387754805.